The following is an entry in ClinVar:

NM_001122681.2(SH3BP2):c.350A>C (p.Glu117Ala)

Gene: SH3BP2 (SH3 domain binding protein 2; plus strand). Cytogenetic location: 4p16.3.
Variant type: single nucleotide variant.
Coding change: c.350A>C on transcript NM_001122681.2 (MANE Select); coding-DNA position 350, A replaced by C.
Protein change: p.Glu117Ala; replaces glutamic acid 117 with alanine.
Molecular consequence: missense variant.
Genome position (GRCh38, 1-based): chr4:2,824,723, A>C. VCF-style: chr4-2824723-A-C. GRCh37 (hg19) VCF-style: chr4-2826450-A-C.
Other names: c.434A>C, p.Glu145Ala (NM_001145855.2); c.521A>C, p.Glu174Ala (NM_001145856.2); c.350A>C, p.Glu117Ala (NM_003023.4); short protein forms E174A, E145A, E117A.
Identifiers: ClinVar variation 4705721 (VCV004705721.1).

ClinVar aggregate classification (germline): Uncertain significance (1 of 4 stars; one submission).

Conditions:
Fibrous dysplasia of jaw (CRBM). Also called: Cherubism. Identifiers: Orphanet 184, MedGen C0008029, MONDO:0007315, OMIM 118400.

gnomAD v4.1: 65 of 1,610,122 alleles (0.004%); highest among the groups gnomAD compares: Non-Finnish European, 0.0054%; no homozygotes.

Submission:

Labcorp Genetics (formerly Invitae), Labcorp
Classification: Uncertain significance for Fibrous dysplasia of jaw. Last evaluated: 2025-02-20. Review status: criteria provided, single submitter. Criteria: Invitae Variant Classification Sherloc (09022015). Collection method: clinical testing. Allele origin: germline.
Comment: This sequence change replaces glutamic acid, which is acidic and polar, with alanine, which is neutral and non-polar, at codon 117 of the SH3BP2 protein (p.Glu117Ala). This variant is present in population databases (rs372711589, gnomAD 0.003%). This variant has not been reported in the literature in individuals affected with SH3BP2-related conditions. Invitae Evidence Modeling of protein sequence and biophysical properties (such as structural, functional, and spatial information, amino acid conservation, physicochemical variation, residue mobility, and thermodynamic stability) indicates that this missense variant is not expected to disrupt SH3BP2 protein function with a negative predictive value of 95%. In summary, the available evidence is currently insufficient to determine the role of this variant in disease. Therefore, it has been classified as a Variant of Uncertain Significance.